The following is an entry in ClinVar:

NM_015627.3(LDLRAP1):c.17C>A (p.Ser6Ter)

Genes: LDLRAP1 (low density lipoprotein receptor adaptor protein 1; plus strand), LOC129929773 (ATAC-STARR-seq lymphoblastoid silent region 456; plus strand). Cytogenetic location: 1p36.11.
Variant type: single nucleotide variant.
Coding change: c.17C>A on transcript NM_015627.3 (MANE Select); coding-DNA position 17, C replaced by A.
Protein change: p.Ser6Ter; replaces serine 6 with a stop codon.
Molecular consequence: nonsense.
Genome position (GRCh38, 1-based): chr1:25,543,715, C>A. VCF-style: chr1-25543715-C-A. GRCh37 (hg19) VCF-style: chr1-25870206-C-A.
Other names: short protein forms S6*.
Identifiers: ClinVar variation 2697613 (VCV002697613.3), dbSNP rs1330017675, ClinGen allele CA339076484.

ClinVar aggregate classification (germline): Pathogenic (1 of 4 stars; one submission).

Conditions:
Hypercholesterolemia, familial, 4 (FHCL4). Also called: HYPERCHOLESTEROLEMIA, AUTOSOMAL RECESSIVE, 1; HYPERCHOLESTEROLEMIA, AUTOSOMAL RECESSIVE, 2. Identifiers: Orphanet 391665, MedGen C1863512, MONDO:0011374, OMIM 603813.

Submission:

Labcorp Genetics (formerly Invitae), Labcorp
Classification: Pathogenic for Hypercholesterolemia, familial, 4. Last evaluated: 2023-11-20. Review status: criteria provided, single submitter. Criteria: Invitae Variant Classification Sherloc (09022015). Collection method: clinical testing. Allele origin: germline.
Comment: This sequence change creates a premature translational stop signal (p.Ser6*) in the LDLRAP1 gene. It is expected to result in an absent or disrupted protein product. Loss-of-function variants in LDLRAP1 are known to be pathogenic (PMID: 11326085, 12464675). This variant is not present in population databases (gnomAD no frequency). This variant has not been reported in the literature in individuals affected with LDLRAP1-related conditions. Algorithms developed to predict the effect of sequence changes on RNA splicing suggest that this variant may disrupt the consensus splice site. For these reasons, this variant has been classified as Pathogenic.

Literature cited by the submitters: PubMed 11326085; PubMed 12464675.